The following is an entry in ClinVar:

ClinVar aggregate classification (germline): Benign/Likely benign. Review status: criteria provided, multiple submitters, no conflicts (2 of 4 stars). 2 submissions from 2 submitters: Benign (1); Likely benign (1). Last evaluated 2026-02-03.

Conditions:
Peroxisome biogenesis disorder 8A (Zellweger). Also called: Peroxisome biogenesis disorder 8A. Identifiers: Orphanet 912, MedGen C3553959, MONDO:0013942, OMIM 614876.
Peroxisome biogenesis disorder. Identifiers: Orphanet 79189, MedGen C1832200, MONDO:0019234. Disease mechanism: loss of function.

Allele frequency attached by ClinVar (database versions not stated): gnomAD 0.00041 and 0.00068; gnomAD exomes 0.00042 and 0.00126; TOPMed 0.00059; 1000 Genomes Project 30x 0.00484; 1000 Genomes Project 0.00559; ExAC 0.00106.
gnomAD v4.1: 739 of 1,612,428 alleles (0.046%); highest among the groups gnomAD compares: East Asian, 1.4%; 6 homozygotes.

Submissions (2):

Labcorp Genetics (formerly Invitae), Labcorp
Classification: Benign for Peroxisome biogenesis disorder. Last evaluated: 2026-02-03. Review status: criteria provided, single submitter. Criteria: Invitae Variant Classification Sherloc (09022015). Collection method: clinical testing. Allele origin: germline.

Illumina Laboratory Services, Illumina
Classification: Likely benign for Peroxisome biogenesis disorder 8A (Zellweger). Last evaluated: 2018-01-13. Review status: criteria provided, single submitter. Criteria: ICSL Variant Classification Criteria 13 December 2019. Collection method: clinical testing. Allele origin: germline.
Comment: This variant was observed in the ICSL laboratory as part of a predisposition screen in an ostensibly healthy population. It had not been previously curated by ICSL or reported in the Human Gene Mutation Database (HGMD: prior to June 1st, 2018), and was therefore a candidate for classification through an automated scoring system. Utilizing variant allele frequency, disease prevalence and penetrance estimates, and inheritance mode, an automated score was calculated to assess if this variant is too frequent to cause the disease. Based on the score and internal cut-off values, a variant classified as likely benign is not then subjected to further curation. The score for this variant resulted in a classification of likely benign for this disease.

NM_004813.4(PEX16):c.149-6C>T

Gene: PEX16 (peroxisomal biogenesis factor 16; minus strand). Cytogenetic location: 11p11.2.
Variant type: single nucleotide variant.
Coding change: c.149-6C>T on transcript NM_004813.4 (MANE Select); 6 bases into the intron before coding-DNA position 149, C replaced by T.
Molecular consequence: intron variant.
Genome position (GRCh38, 1-based): chr11:45,916,309, G>A on the plus strand (C>T on the coding strand, the complement: PEX16 is on the minus strand). VCF-style: chr11-45916309-G-A. GRCh37 (hg19) VCF-style: chr11-45937860-G-A.
Other names: c.149-6C>T (NM_057174.3).
Identifiers: ClinVar variation 719045 (VCV000719045.14), dbSNP rs78883829, ClinGen allele CA5960077.